The following is an entry in ClinVar:

NM_004655.4(AXIN2):c.1428G>A (p.Gln476=)

Gene: AXIN2 (axin 2; minus strand). Cytogenetic location: 17q24.1.
Variant type: single nucleotide variant.
Coding change: c.1428G>A on transcript NM_004655.4 (MANE Select); coding-DNA position 1428, G replaced by A.
Protein change: p.Gln476=; no amino-acid change (glutamine 476 retained).
Molecular consequence: synonymous variant.
Genome position (GRCh38, 1-based): chr17:65,537,608, C>T on the plus strand (G>A on the coding strand, the complement: AXIN2 is on the minus strand). VCF-style: chr17-65537608-C-T. GRCh37 (hg19) VCF-style: chr17-63533726-C-T.
Other names: c.1428G>A (LRG_296t1); c.1428G>A, p.Gln476= (NM_001363813.1).
Identifiers: ClinVar variation 464547 (VCV000464547.14), dbSNP rs1285545891, ClinGen allele CA501691679.
Genomic context (GRCh38, chr17:65,537,608, plus strand): 5'-GGCGCCCGGCGAGGCGGCCGCGGGAGGCAGCTTGCCACCGGGCGGGAGCAGGGAGTGGTA[C>T]TGCGAATGGTGGTGGTGGTGGTGGTCCGGGGAGCGGGAGCGGGGGCTATAGCGGCCTACG-3'
Protein context (NP_004646.3, residues 466-486): SPDHHHHHHS[Gln476=]YHSLLPPGGK

ClinVar aggregate classification (germline): Benign/Likely benign. Review status: criteria provided, multiple submitters, no conflicts (2 of 4 stars). 3 submissions from 3 submitters: Benign (1); Likely benign (2). Last evaluated 2025-12-29.

Conditions:
Hereditary cancer-predisposing syndrome. Also called: Neoplastic Syndromes, Hereditary; Tumor predisposition; Hereditary Cancer Syndrome; Hereditary neoplastic syndrome. Identifiers: Orphanet 140162, MedGen C0027672, MeSH D009386, MONDO:0015356.
Oligodontia-cancer predisposition syndrome. Also called: TOOTH AGENESIS-COLORECTAL CANCER SYNDROME. Identifiers: Orphanet 300576, MedGen C1837750, MONDO:0012075, OMIM 608615. Disease mechanism: loss of function.

Allele frequency attached by ClinVar (database versions not stated): TOPMed below 0.00001.
gnomAD v4.1: 3 of 1,601,158 alleles (0.00019%); highest among the groups gnomAD compares: Non-Finnish European, 0.00017%; no homozygotes.

Submissions (3):

Labcorp Genetics (formerly Invitae), Labcorp
Classification: Likely benign for Oligodontia-cancer predisposition syndrome. Last evaluated: 2025-12-29. Review status: criteria provided, single submitter. Criteria: Invitae Variant Classification Sherloc (09022015). Collection method: clinical testing. Allele origin: germline.

Myriad Genetics, Inc.
Classification: Benign for Oligodontia-cancer predisposition syndrome. Last evaluated: 2024-07-03. Review status: criteria provided, single submitter. Criteria: Myriad Autosomal Dominant, Autosomal Recessive and X-Linked Classification Criteria (2023). Collection method: clinical testing. Allele origin: unknown.
Comment: This variant is considered benign. This variant is a silent/synonymous amino acid change and it is not expected to impact splicing.

Ambry Genetics
Classification: Likely benign for Hereditary cancer-predisposing syndrome. Last evaluated: 2020-03-02. Review status: criteria provided, single submitter. Criteria: Ambry Variant Classification Scheme 2023. Collection method: clinical testing. Allele origin: germline.